The following is an entry in ClinVar:

NM_000038.6(APC):c.1051G>T (p.Gly351Ter)

Gene: APC (APC regulator of Wnt signaling pathway; plus strand). Cytogenetic location: 5q22.2.
Variant type: single nucleotide variant.
Coding change: c.1051G>T on transcript NM_000038.6 (MANE Select); coding-DNA position 1051, G replaced by T.
Protein change: p.Gly351Ter; replaces glycine 351 with a stop codon.
Molecular consequence: nonsense. On other transcripts: non-coding transcript variant (2), intron variant (15).
Genome position (GRCh38, 1-based): chr5:112,819,083, G>T. VCF-style: chr5-112819083-G-T. GRCh37 (hg19) VCF-style: chr5-112154780-G-T.
Other names: c.1051G>T, p.Gly351Ter (NM_001127510.3, NM_001354895.2, NM_001354896.2 and 4 more transcripts); c.997G>T, p.Gly333Ter (NM_001127511.3); c.1081G>T, p.Gly361Ter (NM_001354897.2, NM_001407446.1); c.976G>T, p.Gly326Ter (NM_001354898.2, NM_001407451.1); c.967G>T, p.Gly323Ter (NM_001354899.2, NM_001407452.1); c.874G>T, p.Gly292Ter (NM_001354900.2, NM_001354901.2, NM_001407453.1); c.202G>T, p.Gly68Ter (NM_001354906.2, NM_001407470.1); c.85-186G>T (NM_001407472.1, NM_001407471.1); and 5 more; short protein forms G292*, G323*, G326*, G333*, G351*, G361*, G68*.
Identifiers: ClinVar variation 3231090 (VCV003231090.1), dbSNP rs2149780462, ClinGen allele CA16023613.

ClinVar aggregate classification (germline): Pathogenic (1 of 4 stars; one submission).

Conditions:
Hereditary cancer-predisposing syndrome. Also called: Neoplastic Syndromes, Hereditary; Tumor predisposition; Hereditary neoplastic syndrome; Hereditary Cancer Syndrome. Identifiers: Orphanet 140162, MedGen C0027672, MeSH D009386, MONDO:0015356.

Submission:

Ambry Genetics
Classification: Pathogenic for Hereditary cancer-predisposing syndrome. Last evaluated: 2024-01-08. Review status: criteria provided, single submitter. Criteria: Ambry Variant Classification Scheme 2023. Collection method: clinical testing. Allele origin: germline.
Comment: The p.G351* pathogenic mutation (also known as c.1051G>T), located in coding exon 9 of the APC gene, results from a G to T substitution at nucleotide position 1051. This changes the amino acid from a glycine to a stop codon within coding exon 9. This alteration has been observed in at least one individual with a personal and/or family history that is consistent with APC-related disease (Ambry internal data). This variant is considered to be rare based on population cohorts in the Genome Aggregation Database (gnomAD). This alteration is expected to result in loss of function by premature protein truncation or nonsense-mediated mRNA decay. As such, this alteration is interpreted as a disease-causing mutation.